The following is an entry in ClinVar:

ClinVar aggregate classification (germline): Uncertain significance (1 of 4 stars; one submission).

Allele frequency attached by ClinVar (database versions not stated): gnomAD 0.00001; TOPMed 0.00001.
gnomAD v4.1: 1 of 1,614,078 alleles (0.000062%); highest among the groups gnomAD compares: East Asian, 0.0022%; no homozygotes.

Submission:

Labcorp Genetics (formerly Invitae), Labcorp
Classification: Uncertain significance. Last evaluated: 2022-02-28. Review status: criteria provided, single submitter. Criteria: Invitae Variant Classification Sherloc (09022015). Collection method: clinical testing. Allele origin: germline.
Comment: This sequence change affects codon 176 of the PHYH mRNA. It is a 'silent' change, meaning that it does not change the encoded amino acid sequence of the PHYH protein. This variant is present in population databases (no rsID available, gnomAD 0.06%). This variant has not been reported in the literature in individuals affected with PHYH-related conditions. Algorithms developed to predict the effect of sequence changes on RNA splicing suggest that this variant may disrupt the consensus splice site. In summary, the available evidence is currently insufficient to determine the role of this variant in disease. Therefore, it has been classified as a Variant of Uncertain Significance.

NM_006214.4(PHYH):c.528G>A (p.Gln176=)

Gene: PHYH (phytanoyl-CoA 2-hydroxylase; minus strand). Cytogenetic location: 10p13.
Variant type: single nucleotide variant.
Coding change: c.528G>A on transcript NM_006214.4 (MANE Select); coding-DNA position 528, G replaced by A.
Protein change: p.Gln176=; no amino-acid change (glutamine 176 retained).
Molecular consequence: synonymous variant. On other transcripts: intron variant (1).
Genome position (GRCh38, 1-based): chr10:13,288,510, C>T on the plus strand (G>A on the coding strand, the complement: PHYH is on the minus strand). VCF-style: chr10-13288510-C-T. GRCh37 (hg19) VCF-style: chr10-13330510-C-T.
Other names: c.228G>A, p.Gln76= (NM_001037537.2, NM_001323080.2); c.534G>A, p.Gln178= (NM_001323082.2); c.234G>A, p.Gln78= (NM_001323084.2); c.415-4671G>A (NM_001323083.2).
Identifiers: ClinVar variation 2101305 (VCV002101305.1), dbSNP rs1157321807, ClinGen allele CA468239969.
Genomic context (GRCh38, chr10:13,288,510, plus strand): 5'-CATCGCCGTCCAGGCGCAAACGATGAGATCGCTGGGCCTGAAGGGGAAATAGTGCAGGTC[C>T]TGGTGCAGGGGGTGACGGGACGTCTTCTTGCCTGAAAAGAAAACCTGCTACTAAAGGATA-3'
Protein context (NP_006205.1, residues 166-186): GKKTSRHPLH[Gln176=]DLHYFPFRPS